The following is an entry in ClinVar:

NM_015214.3(DDHD2):c.58C>T (p.Pro20Ser)

Gene: DDHD2 (DDHD domain containing 2; plus strand). Cytogenetic location: 8p11.23.
Variant type: single nucleotide variant.
Coding change: c.58C>T on transcript NM_015214.3 (MANE Select); coding-DNA position 58, C replaced by T.
Protein change: p.Pro20Ser; replaces proline 20 with serine.
Molecular consequence: missense variant. On other transcripts: non-coding transcript variant (2).
Genome position (GRCh38, 1-based): chr8:38,233,052, C>T. VCF-style: chr8-38233052-C-T. GRCh37 (hg19) VCF-style: chr8-38090570-C-T.
Other names: c.58C>T, p.Pro20Ser (NM_001164232.2, NM_001164234.2, NM_001362911.2 and 3 more transcripts); short protein forms P20S.
Identifiers: ClinVar variation 1354536 (VCV001354536.8), dbSNP rs1804416698, ClinGen allele CA370709608.

ClinVar aggregate classification (germline): Uncertain significance (1 of 4 stars; one submission).

Conditions:
Hereditary spastic paraplegia 54. Also called: Spastic paraplegia 54, autosomal recessive. Identifiers: Orphanet 320380, MedGen C3539495, MONDO:0014018, OMIM 615033.

Allele frequency attached by ClinVar (database versions not stated): TOPMed below 0.00001.

Submission:

Labcorp Genetics (formerly Invitae), Labcorp
Classification: Uncertain significance for Hereditary spastic paraplegia 54. Last evaluated: 2021-12-03. Review status: criteria provided, single submitter. Criteria: Invitae Variant Classification Sherloc (09022015). Collection method: clinical testing. Allele origin: germline.
Comment: This sequence change replaces proline, which is neutral and non-polar, with serine, which is neutral and polar, at codon 20 of the DDHD2 protein (p.Pro20Ser). This variant is not present in population databases (gnomAD no frequency). This variant has not been reported in the literature in individuals affected with DDHD2-related conditions. Algorithms developed to predict the effect of missense changes on protein structure and function output the following: SIFT: "Tolerated"; PolyPhen-2: "Not Available"; Align-GVGD: "Class C0". The serine amino acid residue is found in multiple mammalian species, which suggests that this missense change does not adversely affect protein function. In summary, the available evidence is currently insufficient to determine the role of this variant in disease. Therefore, it has been classified as a Variant of Uncertain Significance.